The following is an entry in ClinVar:

NM_001367493.1(ARHGEF4):c.3810C>T (p.His1270=)

Gene: ARHGEF4 (Rho guanine nucleotide exchange factor 4; plus strand). Cytogenetic location: 2q21.1.
Variant type: single nucleotide variant.
Coding change: c.3810C>T on transcript NM_001367493.1 (MANE Select); coding-DNA position 3810, C replaced by T.
Protein change: p.His1270=; no amino-acid change (histidine 1270 retained).
Molecular consequence: synonymous variant.
Genome position (GRCh38, 1-based): chr2:130,931,209, C>T. VCF-style: chr2-130931209-C-T. GRCh37 (hg19) VCF-style: chr2-131688782-C-T.
Other names: c.297C>T, p.His99= (NM_001375900.1); c.141C>T, p.His47= (NM_001375901.1); c.252C>T, p.His84= (NM_015320.4).
Identifiers: ClinVar variation 3051001 (VCV003051001.2), dbSNP rs147260767, ClinGen allele CA1874898.

ClinVar aggregate classification (germline): Likely benign (0 of 4 stars; one submission).

Conditions:
ARHGEF4-related disorder. Also called: ARHGEF4-related condition.

Allele frequency attached by ClinVar (database versions not stated): 1000 Genomes Project 30x 0.00016; 1000 Genomes Project 0.00020; ESP Exome Variant Server 0.00023; TOPMed 0.00034; gnomAD 0.00036; gnomAD exomes 0.00048; ExAC 0.00055.
gnomAD v4.1: 747 of 1,613,756 alleles (0.046%); highest among the groups gnomAD compares: South Asian, 0.094%; 1 homozygote.

Submission:

PreventionGenetics, part of Exact Sciences
Classification: Likely benign for ARHGEF4-related condition. Last evaluated: 2019-02-28. Review status: no assertion criteria provided. Collection method: clinical testing. Allele origin: germline.
Comment: This variant is classified as likely benign based on ACMG/AMP sequence variant interpretation guidelines (Richards et al. 2015 PMID: 25741868, with internal and published modifications).